The following is an entry in ClinVar:

NM_001378120.1(MBD5):c.4031C>T (p.Thr1344Ile)

Gene: MBD5 (methyl-CpG binding domain protein 5; plus strand). Cytogenetic location: 2q23.1.
Variant type: single nucleotide variant.
Coding change: c.4031C>T on transcript NM_001378120.1 (MANE Select); coding-DNA position 4031, C replaced by T.
Protein change: p.Thr1344Ile; replaces threonine 1344 with isoleucine.
Molecular consequence: missense variant.
Genome position (GRCh38, 1-based): chr2:148,489,663, C>T. VCF-style: chr2-148489663-C-T. GRCh37 (hg19) VCF-style: chr2-149247232-C-T.
Other names: c.3332C>T, p.Thr1111Ile (NM_018328.5); short protein forms T1111I, T1344I.
Identifiers: ClinVar variation 1806030 (VCV001806030.1), dbSNP rs2470022037, ClinGen allele CA348727861.
Genomic context (GRCh38, chr2:148,489,663, plus strand): 5'-CAGTTGTCGATGCAGCCAGCAAAGGAATGCAGGTTGTCATCACCACTGCAGTCAACAGTA[C>T]AACTCAGATCAGCCCCATTCCAGCTCTGAGTGCCATGAGTGCCTTCACTGCCTCAATTGG-3'
Protein context (NP_001365049.1, residues 1334-1354): QVVITTAVNS[Thr1344Ile]TQISPIPALS

ClinVar aggregate classification (germline): Uncertain significance (1 of 4 stars; one submission).

Conditions:
Intellectual developmental disorder, autosomal dominant 1. Also called: Intellectual disability, autosomal dominant 1; MBD5 Haploinsufficiency. Identifiers: Orphanet 228402, MedGen C1969562, MONDO:0007974, OMIM 156200.

Allele frequency attached by ClinVar (database versions not stated): gnomAD exomes 0.00001.
gnomAD v4.1: 3 of 1,614,182 alleles (0.00019%); highest among the groups gnomAD compares: Non-Finnish European, 0.00025%; no homozygotes.

Submission:

Victorian Clinical Genetics Services, Murdoch Childrens Research Institute
Classification: Uncertain significance for Intellectual developmental disorder, autosomal dominant 1. Last evaluated: 2020-05-21. Review status: criteria provided, single submitter. Criteria: ACMG Guidelines, 2015. Collection method: clinical testing. Allele origin: germline. Inheritance: Autosomal dominant inheritance.
Comment: Based on the classification scheme VCGS_Germline_v1.1.1, this variant is classified as 3C-VUS. Following criteria are met: 0102 - Loss-of-function is a known mechanism of disease for this gene. (N) 0107 - This gene is known to be associated with autosomal dominant disease. (N) 0112 - Variants in this gene are known to have reduced penetrance (GeneReview). (N) 0200 - Variant is predicted to result in a missense amino acid change from threonine to isoleucine. (N) 0251 - Variant is heterozygous. (N) 0301 - Variant is absent from gnomAD. (P) 0503 - Missense variant consistently predicted to be tolerated or not conserved in mammals with a minor amino acid change. (B) 0604 - Variant is not located in an established domain, motif, hotspot or informative constraint region. (N) 0705 - No comparable variants have previous evidence for pathogenicity. (N) 0807 - Variant has not previously been reported in a clinical context. (N) 0905 - No segregation evidence has been identified for this variant. (N) 1007 - No published functional evidence has been identified for this variant. (N) Legend: (P) - Pathogenic, (N) - Neutral, (B) - Benign